The following is an entry in ClinVar:

NM_000088.4(COL1A1):c.1117C>T (p.Pro373Ser)

Gene: COL1A1 (collagen type I alpha 1 chain; minus strand). Cytogenetic location: 17q21.33.
Variant type: single nucleotide variant.
Coding change: c.1117C>T on transcript NM_000088.4 (MANE Select); coding-DNA position 1117, C replaced by T.
Protein change: p.Pro373Ser; replaces proline 373 with serine.
Molecular consequence: missense variant.
Genome position (GRCh38, 1-based): chr17:50,195,605, G>A on the plus strand (C>T on the coding strand, the complement: COL1A1 is on the minus strand). VCF-style: chr17-50195605-G-A. GRCh37 (hg19) VCF-style: chr17-48272966-G-A.
Other names: short protein forms P373S.
Identifiers: ClinVar variation 3364356 (VCV003364356.1).

ClinVar aggregate classification (germline): Uncertain significance (1 of 4 stars; one submission).

Submission:

GeneDx
Classification: Uncertain significance. Last evaluated: 2023-11-16. Review status: criteria provided, single submitter. Criteria: GeneDx Variant Classification Process June 2021. Collection method: clinical testing. Allele origin: germline. Affected: yes.
Comment: Has not been previously published as pathogenic or benign to our knowledge; Not observed at significant frequency in large population cohorts (gnomAD); At the protein level, in silico analysis supports that this missense variant has a deleterious effect on protein structure/function; At the mRNA level, in silico analysis supports a deleterious effect on splicing; Occurs in the triple helical domain at the Y position in the canonical Gly-X-Y repeat; although this variant may have an effect on normal protein folding and function, missense substitution at the Yposition is not a common mechanism of disease (HGMD)